The following is an entry in ClinVar:

ClinVar aggregate classification (germline): Benign (1 of 4 stars; one submission).

Conditions:
Spondyloepiphyseal dysplasia with congenital joint dislocations (SEDCJD). Also called: Chondrodysplasia with Congenital Joint Dislocations, CHST3-Related. Identifiers: Orphanet 263463, MedGen C1837657, MONDO:0007738, OMIM 143095.

Allele frequency attached by ClinVar (database versions not stated): gnomAD 0.00050 and 0.00064; TOPMed 0.00099; 1000 Genomes Project 30x 0.00265; 1000 Genomes Project 0.00339.

Submission:

Illumina Laboratory Services, Illumina
Classification: Benign for Spondyloepiphyseal dysplasia with congenital joint dislocations. Last evaluated: 2017-04-27. Review status: criteria provided, single submitter. Criteria: ICSL Variant Classification Criteria 13 December 2019. Collection method: clinical testing. Allele origin: germline.
Comment: This variant was observed as part of a predisposition screen in an ostensibly healthy population. A literature search was performed for the gene, cDNA change, and amino acid change (where applicable). No publications were found based on this search. Allele frequency data from public databases was too high to be consistent with this variant causing disease. Therefore, this variant is classified as benign.

NM_004273.5(CHST3):c.*2464C>G

Gene: CHST3 (carbohydrate sulfotransferase 3; plus strand). Cytogenetic location: 10q22.1.
Variant type: single nucleotide variant.
Coding change: c.*2464C>G on transcript NM_004273.5 (MANE Select); 2464 bases downstream of the stop codon, C replaced by G.
Molecular consequence: 3 prime UTR variant.
Genome position (GRCh38, 1-based): chr10:72,010,935, C>G. VCF-style: chr10-72010935-C-G. GRCh37 (hg19) VCF-style: chr10-73770693-C-G.
Identifiers: ClinVar variation 880225 (VCV000880225.4), dbSNP rs117578356, ClinGen allele CA209480216.